The following is an entry in ClinVar:

ClinVar aggregate classification (germline): Uncertain significance (1 of 4 stars; one submission).

Conditions:
Hearing loss, autosomal dominant 78. Also called: DEAFNESS, AUTOSOMAL DOMINANT 78. Identifiers: MedGen C5436768, MONDO:0033665, OMIM 619081.

gnomAD v4.1: 23 of 1,605,386 alleles (0.0014%); highest among the groups gnomAD compares: Non-Finnish European, 0.002%; no homozygotes.

Submission:

Victorian Clinical Genetics Services, Murdoch Childrens Research Institute
Classification: Uncertain significance for Hearing loss, autosomal dominant 78. Last evaluated: 2023-07-16. Review status: criteria provided, single submitter. Criteria: ACMG Guidelines, 2015. Collection method: clinical testing. Allele origin: germline. Inheritance: Autosomal dominant inheritance. Affected: yes.
Comment: Based on the classification scheme VCGS_Germline_v1.3.4, this variant is classified as VUS-3C. Following criteria are met: 0103 - Dominant negative and loss of function and gain of function are mechanisms of disease in this gene and are associated with Deafness 78 (MIM#619081), Delpire-McNeill syndrome (MIM#619083), Kilquist syndrome (MIM#619080). Dominant negative or gain of function are suggested mechanisms for missense variants that are associated with dominant deafness, whereas biallelic mutations usually result in a loss of function effect (PMID: 30740830, 32754646, 32294086, 34226616). (I) 0108 - This gene is associated with both recessive and dominant disease. Autosomal dominant is the predominant mode of inheritance whereas biallelic mutations lead to recessive condition (PMID: 34226616). (I) 0200 - Variant is predicted to result in a missense amino acid change from isoleucine to valine. (I) 0251 - This variant is heterozygous. (I) 0304 - Variant is present in gnomAD (v2 and v3) <0.01 (2 heterozygotes, 0 homozygotes). (SP) 0503 - Missense variant consistently predicted to be tolerated by multiple in silico tools or not conserved in placental mammals with a minor amino acid change. (SB) 0600 - Variant is located in the annotated SLC12 domain (DECIPHER). (I) 0705 - No comparable missense variants have previous evidence for pathogenicity. (I) 0807 - This variant has no previous evidence of pathogenicity. (I) 0905 - No published segregation evidence has been identified for this variant. (I) 1007 - No published functional evidence has been identified for this variant. (I) 1208 - Inheritance information for this variant is not currently available in this individual. (I) Legend: (SP) - Supporting pathogenic, (I) - Information, (SB) - Supporting benign

Literature cited by the submitters: PubMed 30740830; PubMed 32294086; PubMed 32754646; PubMed 34226616.

NM_001046.3(SLC12A2):c.3364A>G (p.Ile1122Val)

Gene: SLC12A2 (solute carrier family 12 member 2; plus strand). Cytogenetic location: 5q23.3.
Variant type: single nucleotide variant.
Coding change: c.3364A>G on transcript NM_001046.3 (MANE Select); coding-DNA position 3364, A replaced by G.
Protein change: p.Ile1122Val; replaces isoleucine 1122 with valine.
Molecular consequence: missense variant. On other transcripts: non-coding transcript variant (1).
Genome position (GRCh38, 1-based): chr5:128,184,430, A>G. VCF-style: chr5-128184430-A-G. GRCh37 (hg19) VCF-style: chr5-127520122-A-G.
Other names: c.3316A>G, p.Ile1106Val (NM_001256461.2); short protein forms I1106V, I1122V.
Identifiers: ClinVar variation 3376954 (VCV003376954.1).